The following is an entry in ClinVar:

ClinVar aggregate classification (germline): Uncertain significance. Review status: criteria provided, multiple submitters, no conflicts (2 of 4 stars). 2 submissions from 2 submitters: Uncertain significance (2). Last evaluated 2025-07-07.

Conditions:
Muscular dystrophy-dystroglycanopathy (congenital with brain and eye anomalies), type A9. Also called: Muscular dystrophy-dystroglycanopathy (congenital with brain and eye anomalies), type a, 9; WALKER-WARBURG SYNDROME OR MUSCLE-EYE BRAIN DISEASE, DAG1-RELATED. Identifiers: Orphanet 370997, Orphanet 899, MedGen C4225291, MONDO:0014683, OMIM 616538.
Autosomal recessive limb-girdle muscular dystrophy type 2P. Also called: Limb-Girdle Muscular Dystrophy Type 9C; MUSCULAR DYSTROPHY, LIMB-GIRDLE, TYPE 2P; MUSCULAR DYSTROPHY-DYSTROGLYCANOPATHY, LIMB-GIRDLE, DAG1-RELATED. Identifiers: Orphanet 280333, MedGen C4511963, MONDO:0013440, OMIM 613818.

Allele frequency attached by ClinVar (database versions not stated): gnomAD exomes 0.00001; TOPMed 0.00002; 1000 Genomes Project 0.00020; ExAC 0.00002; 1000 Genomes Project 30x 0.00031.

Submissions (2):

Revvity Omics, Revvity
Classification: Uncertain significance. Last evaluated: 2025-07-07. Review status: criteria provided, single submitter. Criteria: ACMG Guidelines, 2015. Collection method: clinical testing. Allele origin: germline.

Labcorp Genetics (formerly Invitae), Labcorp
Classification: Uncertain significance for Autosomal recessive limb-girdle muscular dystrophy type 2P; Muscular dystrophy-dystroglycanopathy (congenital with brain and eye anomalies), type A9. Last evaluated: 2022-06-20. Review status: criteria provided, single submitter. Criteria: Invitae Variant Classification Sherloc (09022015). Collection method: clinical testing. Allele origin: germline.
Comment: ClinVar contains an entry for this variant (Variation ID: 840679). This variant has not been reported in the literature in individuals affected with DAG1-related conditions. This variant is present in population databases (rs562046526, gnomAD 0.01%). This sequence change replaces arginine, which is basic and polar, with tryptophan, which is neutral and slightly polar, at codon 215 of the DAG1 protein (p.Arg215Trp). In summary, the available evidence is currently insufficient to determine the role of this variant in disease. Therefore, it has been classified as a Variant of Uncertain Significance. Algorithms developed to predict the effect of missense changes on protein structure and function are either unavailable or do not agree on the potential impact of this missense change (SIFT: "Deleterious"; PolyPhen-2: "Possibly Damaging"; Align-GVGD: "Class C0").

NM_004393.6(DAG1):c.643C>T (p.Arg215Trp)

Gene: DAG1 (dystroglycan 1; plus strand). Cytogenetic location: 3p21.31.
Variant type: single nucleotide variant.
Coding change: c.643C>T on transcript NM_004393.6 (MANE Select); coding-DNA position 643, C replaced by T.
Protein change: p.Arg215Trp; replaces arginine 215 with tryptophan.
Molecular consequence: missense variant.
Genome position (GRCh38, 1-based): chr3:49,531,154, C>T. VCF-style: chr3-49531154-C-T. GRCh37 (hg19) VCF-style: chr3-49568587-C-T.
Other names: c.643C>T, p.Arg215Trp (NM_001165928.4, NM_001177634.3, NM_001177635.3 and 9 more transcripts); short protein forms R215W.
Identifiers: ClinVar variation 840679 (VCV000840679.8), dbSNP rs562046526, ClinGen allele CA2398941.